The following is an entry in ClinVar:

NM_003900.5(SQSTM1):c.823A>T (p.Ser275Cys)

Gene: SQSTM1 (sequestosome 1; plus strand). Cytogenetic location: 5q35.3.
Variant type: single nucleotide variant.
Coding change: c.823A>T on transcript NM_003900.5 (MANE Select); coding-DNA position 823, A replaced by T.
Protein change: p.Ser275Cys; replaces serine 275 with cysteine.
Molecular consequence: missense variant.
Genome position (GRCh38, 1-based): chr5:179,833,100, A>T. VCF-style: chr5-179833100-A-T. GRCh37 (hg19) VCF-style: chr5-179260100-A-T.
Other names: c.571A>T, p.Ser191Cys (NM_001142298.2, NM_001142299.2); short protein forms S191C, S275C.
Identifiers: ClinVar variation 2188454 (VCV002188454.4), dbSNP rs974672376, ClinGen allele CA133109258.

ClinVar aggregate classification (germline): Uncertain significance (1 of 4 stars; one submission).

Conditions:
Paget disease of bone 2, early-onset (PDB2). Also called: Paget disease of bone 2. Identifiers: MedGen C4085251, MONDO:0011183, OMIM 602080.
Frontotemporal dementia and/or amyotrophic lateral sclerosis 1 (FTDALS1). Also called: Frontotemporal dementia with motor neuron disease 1; C9orf72 Frontotemporal Dementia and/or Amyotrophic Lateral Sclerosis. Identifiers: Orphanet 275872, MedGen C5779877, MONDO:0007105, OMIM 105550.

gnomAD v4.1: 2 of 1,614,172 alleles (0.00012%); highest among the groups gnomAD compares: Non-Finnish European, 0.00017%; no homozygotes.

Submission:

Labcorp Genetics (formerly Invitae), Labcorp
Classification: Uncertain significance for Paget disease of bone 2, early-onset; Frontotemporal dementia and/or amyotrophic lateral sclerosis 1. Last evaluated: 2022-04-09. Review status: criteria provided, single submitter. Criteria: Invitae Variant Classification Sherloc (09022015). Collection method: clinical testing. Allele origin: germline.
Comment: This variant is not present in population databases (gnomAD no frequency). This variant has not been reported in the literature in individuals affected with SQSTM1-related conditions. Algorithms developed to predict the effect of missense changes on protein structure and function output the following: SIFT: "Deleterious"; PolyPhen-2: "Possibly Damaging"; Align-GVGD: "Class C15". The cysteine amino acid residue is found in multiple mammalian species, which suggests that this missense change does not adversely affect protein function. In summary, the available evidence is currently insufficient to determine the role of this variant in disease. Therefore, it has been classified as a Variant of Uncertain Significance. This sequence change replaces serine, which is neutral and polar, with cysteine, which is neutral and slightly polar, at codon 275 of the SQSTM1 protein (p.Ser275Cys).